The following is an entry in ClinVar:

NM_001122681.2(SH3BP2):c.305G>C (p.Ser102Thr)

Gene: SH3BP2 (SH3 domain binding protein 2; plus strand). Cytogenetic location: 4p16.3.
Variant type: single nucleotide variant.
Coding change: c.305G>C on transcript NM_001122681.2 (MANE Select); coding-DNA position 305, G replaced by C.
Protein change: p.Ser102Thr; replaces serine 102 with threonine.
Molecular consequence: missense variant.
Genome position (GRCh38, 1-based): chr4:2,824,678, G>C. VCF-style: chr4-2824678-G-C. GRCh37 (hg19) VCF-style: chr4-2826405-G-C.
Other names: c.389G>C, p.Ser130Thr (NM_001145855.2); c.476G>C, p.Ser159Thr (NM_001145856.2); c.305G>C, p.Ser102Thr (NM_003023.4); short protein forms S102T, S159T, S130T.
Identifiers: ClinVar variation 1427677 (VCV001427677.6), dbSNP rs1484027719, ClinGen allele CA356053810.

ClinVar aggregate classification (germline): Uncertain significance (1 of 4 stars; one submission).

Conditions:
Fibrous dysplasia of jaw (CRBM). Also called: Cherubism. Identifiers: Orphanet 184, MedGen C0008029, MONDO:0007315, OMIM 118400.

Allele frequency attached by ClinVar (database versions not stated): TOPMed below 0.00001.

Submission:

Labcorp Genetics (formerly Invitae), Labcorp
Classification: Uncertain significance for Fibrous dysplasia of jaw. Last evaluated: 2021-11-27. Review status: criteria provided, single submitter. Criteria: Invitae Variant Classification Sherloc (09022015). Collection method: clinical testing. Allele origin: germline.
Comment: In summary, the available evidence is currently insufficient to determine the role of this variant in disease. Therefore, it has been classified as a Variant of Uncertain Significance. Algorithms developed to predict the effect of missense changes on protein structure and function are either unavailable or do not agree on the potential impact of this missense change (SIFT: "Tolerated"; PolyPhen-2: "Possibly Damaging"; Align-GVGD: "Class C0"). This variant has not been reported in the literature in individuals affected with SH3BP2-related conditions. This variant is not present in population databases (gnomAD no frequency). This sequence change replaces serine, which is neutral and polar, with threonine, which is neutral and polar, at codon 102 of the SH3BP2 protein (p.Ser102Thr).